The following is an entry in ClinVar:

ClinVar aggregate classification (germline): Likely benign (1 of 4 stars; one submission).

Conditions:
FKTN-related disorder. Also called: FKTN-related disorders; FKTN-related condition.

gnomAD v4.1: 122 of 1,613,792 alleles (0.0076%); highest among the groups gnomAD compares: Non-Finnish European, 0.0097%; no homozygotes.

Submission:

PreventionGenetics, part of Exact Sciences
Classification: Likely benign for FKTN-related condition. Last evaluated: 2026-06-30. Review status: criteria provided, single submitter. Criteria: ACMG Guidelines, 2015. Collection method: clinical testing. Allele origin: germline.
Comment: This variant is classified as likely benign based on ACMG/AMP sequence variant interpretation guidelines (Richards et al. 2015 PMID: 25741868, with internal and published modifications).

NM_001079802.2(FKTN):c.*1G>A

Gene: FKTN (fukutin; plus strand). Cytogenetic location: 9q31.2.
Variant type: single nucleotide variant.
Coding change: c.*1G>A on transcript NM_001079802.2 (MANE Select); 1 bases downstream of the stop codon, G replaced by A.
Molecular consequence: 3 prime UTR variant. On other transcripts: non-coding transcript variant (2), intron variant (1).
Genome position (GRCh38, 1-based): chr9:105,635,265, G>A. VCF-style: chr9-105635265-G-A. GRCh37 (hg19) VCF-style: chr9-108397546-G-A.
Other names: c.*1G>A (NM_001351496.2, NM_001351497.2, NM_001351499.2 and 4 more transcripts); c.*179G>A (NM_001351498.2); c.1270+117G>A (NM_001198963.2).
Identifiers: ClinVar variation 4990247 (VCV004990247.1).